The following is an entry in ClinVar:

NM_001854.4(COL11A1):c.2300C>G (p.Ala767Gly)

Gene: COL11A1 (collagen type XI alpha 1 chain; minus strand). Cytogenetic location: 1p21.1.
Variant type: single nucleotide variant.
Coding change: c.2300C>G on transcript NM_001854.4 (MANE Select); coding-DNA position 2300, C replaced by G.
Protein change: p.Ala767Gly; replaces alanine 767 with glycine.
Molecular consequence: missense variant. On other transcripts: non-coding transcript variant (1).
Genome position (GRCh38, 1-based): chr1:102,995,904, G>C on the plus strand (C>G on the coding strand, the complement: COL11A1 is on the minus strand). VCF-style: chr1-102995904-G-C. GRCh37 (hg19) VCF-style: chr1-103461460-G-C.
Other names: c.1952C>G, p.Ala651Gly (NM_001168249.1, NM_080630.4); c.2183C>G, p.Ala728Gly (NM_001190709.2); c.2336C>G, p.Ala779Gly (NM_080629.3); short protein forms A728G, A779G, A651G, A767G.
Identifiers: ClinVar variation 3022090 (VCV003022090.3), dbSNP rs372933541, ClinGen allele CA341168740.
Genomic context (GRCh38, chr1:102,995,904, plus strand): 5'-TCTAAACAATTAAATTTTACCTTTTCACCTTTAGATCCCTTGAGACCTCTGACACCATCT[G>C]CTCCCTGTGGAATAAATTAGAAGTATTAAGTGAATATAACATTTCACTTTGAAAGTAAAT-3'
Protein context (NP_001845.3, residues 757-777): GYPGPRGVKG[Ala767Gly]DGVRGLKGSK

ClinVar aggregate classification (germline): Uncertain significance (1 of 4 stars; one submission).

gnomAD v4.1: 1 of 1,611,596 alleles (0.000062%); highest among the groups gnomAD compares: Non-Finnish European, 0.000085%; no homozygotes.

Submission:

Labcorp Genetics (formerly Invitae), Labcorp
Classification: Uncertain significance. Last evaluated: 2023-07-12. Review status: criteria provided, single submitter. Criteria: Invitae Variant Classification Sherloc (09022015). Collection method: clinical testing. Allele origin: germline.
Comment: This variant has not been reported in the literature in individuals affected with COL11A1-related conditions. In summary, the available evidence is currently insufficient to determine the role of this variant in disease. Therefore, it has been classified as a Variant of Uncertain Significance. Advanced modeling of protein sequence and biophysical properties (such as structural, functional, and spatial information, amino acid conservation, physicochemical variation, residue mobility, and thermodynamic stability) performed at Invitae indicates that this missense variant is not expected to disrupt COL11A1 protein function. This variant is not present in population databases (gnomAD no frequency). This sequence change replaces alanine, which is neutral and non-polar, with glycine, which is neutral and non-polar, at codon 767 of the COL11A1 protein (p.Ala767Gly).